The following is an entry in ClinVar:

ClinVar aggregate classification (germline): Uncertain significance (1 of 4 stars; one submission).

Conditions:
Hereditary cancer-predisposing syndrome. Also called: Neoplastic Syndromes, Hereditary; Tumor predisposition; Hereditary Cancer Syndrome; Hereditary neoplastic syndrome. Identifiers: Orphanet 140162, MedGen C0027672, MeSH D009386, MONDO:0015356.

Submission:

Ambry Genetics
Classification: Uncertain significance for Hereditary cancer-predisposing syndrome. Last evaluated: 2024-10-25. Review status: criteria provided, single submitter. Criteria: Ambry Variant Classification Scheme 2023. Collection method: clinical testing. Allele origin: germline.
Comment: The p.S928C variant (also known as c.2782A>T), located in coding exon 24 of the POLE gene, results from an A to T substitution at nucleotide position 2782. The serine at codon 928 is replaced by cysteine, an amino acid with dissimilar properties. This amino acid position is conserved. In addition, the in silico prediction for this alteration is inconclusive. Based on the available evidence, the clinical significance of this variant remains unclear.

NM_006231.4(POLE):c.2782A>T (p.Ser928Cys)

Gene: POLE (DNA polymerase epsilon, catalytic subunit; minus strand). Cytogenetic location: 12q24.33.
Variant type: single nucleotide variant.
Coding change: c.2782A>T on transcript NM_006231.4 (MANE Select); coding-DNA position 2782, A replaced by T.
Protein change: p.Ser928Cys; replaces serine 928 with cysteine.
Molecular consequence: missense variant.
Genome position (GRCh38, 1-based): chr12:132,661,609, T>A on the plus strand (A>T on the coding strand, the complement: POLE is on the minus strand). VCF-style: chr12-132661609-T-A. GRCh37 (hg19) VCF-style: chr12-133238195-T-A.
Other names: short protein forms S928C.
Identifiers: ClinVar variation 3422211 (VCV003422211.1).
Genomic context (GRCh38, chr12:132,661,609, plus strand): 5'-CTTCCTTGGAGGCTGGAAGAATCATGGCAAGGTAGGGCCCATCAACCTCAAAAAAGATGC[T>A]GTTCTCTGAGCGGGTGACGTAGGTGAGTGAGGACGGCTCAGCCAGCTCCTGGTACTGGTC-3'
Protein context (NP_006222.2, residues 918-938): SLTYVTRSEN[Ser928Cys]IFFEVDGPYL